The following is an entry in ClinVar:

NM_032119.4(ADGRV1):c.327C>T (p.Asp109=)

Gene: ADGRV1 (adhesion G protein-coupled receptor V1; plus strand). Cytogenetic location: 5q14.3.
Variant type: single nucleotide variant.
Coding change: c.327C>T on transcript NM_032119.4 (MANE Select); coding-DNA position 327, C replaced by T.
Protein change: p.Asp109=; no amino-acid change (aspartic acid 109 retained).
Molecular consequence: synonymous variant. On other transcripts: non-coding transcript variant (1).
Genome position (GRCh38, 1-based): chr5:90,617,923, C>T. VCF-style: chr5-90617923-C-T. GRCh37 (hg19) VCF-style: chr5-89913740-C-T.
Other names: p.D109D:GAC>GAT.
Identifiers: ClinVar variation 46314 (VCV000046314.31), dbSNP rs61753944, ClinGen allele CA138102.

ClinVar aggregate classification (germline): Benign/Likely benign. Review status: criteria provided, multiple submitters, no conflicts (2 of 4 stars). 8 submissions from 8 submitters: Benign (6); Likely benign (1). 1 of the submissions does not count toward it. Last evaluated 2026-02-04.

Conditions:
Usher syndrome type 2C. Also called: Usher syndrome, type 2B; USHER SYNDROME, TYPE IIC. Identifiers: Orphanet 231178, Orphanet 886, MedGen C2931213, MONDO:0011558, OMIM 605472.
Febrile seizures, familial, 4 (FEB4). Also called: CONVULSIONS, FAMILIAL FEBRILE, 4. Identifiers: MedGen C1858493, MONDO:0011443, OMIM 604352.

Allele frequency attached by ClinVar (database versions not stated): gnomAD exomes 0.00537; ESP Exome Variant Server 0.02085; gnomAD 0.02215 and 0.02377; TOPMed 0.02538; 1000 Genomes Project 0.02955; 1000 Genomes Project 30x 0.03170.
gnomAD v4.1: 7,160 of 1,584,912 alleles (0.45%); highest among the groups gnomAD compares: African/African-American, 7.4%; 206 homozygotes.

Submissions (8):

Labcorp Genetics (formerly Invitae), Labcorp
Classification: Benign. Last evaluated: 2026-02-04. Review status: criteria provided, single submitter. Criteria: Invitae Variant Classification Sherloc (09022015). Collection method: clinical testing. Allele origin: germline.

ARUP Laboratories, Molecular Genetics and Genomics, ARUP Laboratories
Classification: Benign. Last evaluated: 2023-11-08. Review status: criteria provided, single submitter. Criteria: ARUP Molecular Germline Variant Investigation Process 2024. Collection method: clinical testing. Allele origin: germline.

Fulgent Genetics
Classification: Likely benign for Febrile seizures, familial, 4; Usher syndrome type 2C. Last evaluated: 2021-08-13. Review status: criteria provided, single submitter. Criteria: ACMG Guidelines, 2015. Collection method: clinical testing. Allele origin: unknown.

Athena Diagnostics
Classification: Benign. Last evaluated: 2018-01-24. Review status: criteria provided, single submitter. Criteria: Athena Diagnostics Criteria. Collection method: clinical testing. Allele origin: germline.

Illumina Laboratory Services, Illumina
Classification: Benign for Usher syndrome type 2C. Last evaluated: 2018-01-13. Review status: criteria provided, single submitter. Criteria: ICSL Variant Classification Criteria 13 December 2019. Collection method: clinical testing. Allele origin: germline.
Comment: This variant was observed in the ICSL laboratory as part of a predisposition screen in an ostensibly healthy population. It had not been previously curated by ICSL or reported in the Human Gene Mutation Database (HGMD: prior to June 1st, 2018), and was therefore a candidate for classification through an automated scoring system. Utilizing variant allele frequency, disease prevalence and penetrance estimates, and inheritance mode, an automated score was calculated to assess if this variant is too frequent to cause the disease. Based on the score and internal cut-off values, a variant classified as benign is not then subjected to further curation. The score for this variant resulted in a classification of benign for this disease.

GeneDx
Classification: Benign. Last evaluated: 2014-03-21. Review status: criteria provided, single submitter. Criteria: GeneDx Variant Classification (06012015). Collection method: clinical testing. Allele origin: germline. Affected: yes.
Comment: This variant is considered likely benign or benign based on one or more of the following criteria: it is a conservative change, it occurs at a poorly conserved position in the protein, it is predicted to be benign by multiple in silico algorithms, and/or has population frequency not consistent with disease.

Laboratory for Molecular Medicine, Mass General Brigham Personalized Medicine
Classification: Benign. Last evaluated: 2012-05-07. Review status: criteria provided, single submitter. Criteria: LMM Criteria. Collection method: clinical testing. Allele origin: germline. Observed: 35 variant alleles.
Comment: "Asp109Asp in Exon 03 of GPR98: This variant is not expected to have clinical si gnificance because it does not alter an amino acid residue, is not located withi n the splice consensus sequence, and has been identified in 6.5% (201/3098) of A frican American chromosomes from a broad population by the NHLBI Exome Sequencin g Project (dbSNP rs61753944)."

Genetic Services Laboratory, University of Chicago
Classification: Likely benign. Review status: no assertion criteria provided. Collection method: clinical testing. Allele origin: germline. Inheritance: Autosomal dominant inheritance. Not counted in ClinVar's aggregate classification.
Comment: Likely benign based on allele frequency in 1000 Genomes Project or ESP global frequency and its presence in a patient with a rare or unrelated disease phenotype. NOT Sanger confirmed